The following is an entry in ClinVar:

NM_005732.4(RAD50):c.3394A>G (p.Ile1132Val)

Genes: RAD50 (RAD50 double strand break repair protein; plus strand), TH2-LCR (Th2 cytokine locus control region; plus strand), TH2LCRR (T helper type 2 locus control region associated RNA; minus strand). Cytogenetic location: 5q31.1.
Variant type: single nucleotide variant.
Coding change: c.3394A>G on transcript NM_005732.4 (MANE Select); coding-DNA position 3394, A replaced by G.
Protein change: p.Ile1132Val; replaces isoleucine 1132 with valine.
Molecular consequence: missense variant.
Genome position (GRCh38, 1-based): chr5:132,637,119, A>G. VCF-style: chr5-132637119-A-G. GRCh37 (hg19) VCF-style: chr5-131972811-A-G.
Other names: short protein forms I1132V.
Identifiers: ClinVar variation 240237 (VCV000240237.15), dbSNP rs867973104, ClinGen allele CA10582391.

ClinVar aggregate classification (germline): Uncertain significance. Review status: criteria provided, multiple submitters, no conflicts (2 of 4 stars). 2 submissions from 2 submitters: Uncertain significance (2). Last evaluated 2022-01-27.

Conditions:
Hereditary cancer-predisposing syndrome. Also called: Neoplastic Syndromes, Hereditary; Hereditary neoplastic syndrome; Tumor predisposition; Hereditary Cancer Syndrome. Identifiers: Orphanet 140162, MedGen C0027672, MeSH D009386, MONDO:0015356.

Allele frequency attached by ClinVar (database versions not stated): gnomAD exomes below 0.00001.
gnomAD v4.1: 2 of 1,608,082 alleles (0.00012%); highest among the groups gnomAD compares: South Asian, 0.0011%; no homozygotes.

Submissions (2):

Ambry Genetics
Classification: Uncertain significance for Hereditary cancer-predisposing syndrome. Last evaluated: 2022-01-27. Review status: criteria provided, single submitter. Criteria: Ambry Variant Classification Scheme 2023. Collection method: clinical testing. Allele origin: germline.
Comment: The p.I1132V variant (also known as c.3394A>G), located in coding exon 22 of the RAD50 gene, results from an A to G substitution at nucleotide position 3394. The isoleucine at codon 1132 is replaced by valine, an amino acid with highly similar properties. This amino acid position is highly conserved in available vertebrate species. In addition, the in silico prediction for this alteration is inconclusive. Since supporting evidence is limited at this time, the clinical significance of this alteration remains unclear.

Labcorp Genetics (formerly Invitae), Labcorp
Classification: Uncertain significance for Hereditary cancer-predisposing syndrome. Last evaluated: 2022-01-25. Review status: criteria provided, single submitter. Criteria: Invitae Variant Classification Sherloc (09022015). Collection method: clinical testing. Allele origin: germline.
Comment: In summary, the available evidence is currently insufficient to determine the role of this variant in disease. Therefore, it has been classified as a Variant of Uncertain Significance. Algorithms developed to predict the effect of missense changes on protein structure and function are either unavailable or do not agree on the potential impact of this missense change (SIFT: "Tolerated"; PolyPhen-2: "Possibly Damaging"; Align-GVGD: "Class C0"). ClinVar contains an entry for this variant (Variation ID: 240237). This variant has not been reported in the literature in individuals affected with RAD50-related conditions. This variant is not present in population databases (gnomAD no frequency). This sequence change replaces isoleucine, which is neutral and non-polar, with valine, which is neutral and non-polar, at codon 1132 of the RAD50 protein (p.Ile1132Val).